The following is an entry in ClinVar:

NM_000553.6(WRN):c.841G>T (p.Val281Phe)

Gene: WRN (WRN RecQ like helicase; plus strand). Cytogenetic location: 8p12.
Variant type: single nucleotide variant.
Coding change: c.841G>T on transcript NM_000553.6 (MANE Select); coding-DNA position 841, G replaced by T.
Protein change: p.Val281Phe; replaces valine 281 with phenylalanine.
Molecular consequence: missense variant.
Genome position (GRCh38, 1-based): chr8:31,080,868, G>T. VCF-style: chr8-31080868-G-T. GRCh37 (hg19) VCF-style: chr8-30938384-G-T.
Other names: short protein forms V281F.
Identifiers: ClinVar variation 403978 (VCV000403978.6), dbSNP rs1060500055, ClinGen allele CA16612420.

ClinVar aggregate classification (germline): Uncertain significance (1 of 4 stars; one submission).

Conditions:
Werner syndrome (WRN). Identifiers: Orphanet 902, MedGen C0043119, MONDO:0010196, OMIM 277700.

gnomAD v4.1: 5 of 1,597,688 alleles (0.00031%); highest among the groups gnomAD compares: East Asian, 0.0045%; no homozygotes.

Submission:

Labcorp Genetics (formerly Invitae), Labcorp
Classification: Uncertain significance for Werner syndrome. Last evaluated: 2023-12-11. Review status: criteria provided, single submitter. Criteria: Invitae Variant Classification Sherloc (09022015). Collection method: clinical testing. Allele origin: germline.
Comment: This sequence change replaces valine, which is neutral and non-polar, with phenylalanine, which is neutral and non-polar, at codon 281 of the WRN protein (p.Val281Phe). The frequency data for this variant in the population databases is considered unreliable, as metrics indicate poor data quality at this position in the gnomAD database. This variant has not been reported in the literature in individuals affected with WRN-related conditions. ClinVar contains an entry for this variant (Variation ID: 403978). An algorithm developed to predict the effect of missense changes on protein structure and function (PolyPhen-2) suggests that this variant is likely to be disruptive. In summary, the available evidence is currently insufficient to determine the role of this variant in disease. Therefore, it has been classified as a Variant of Uncertain Significance.